The following is an entry in ClinVar:

NM_024675.4(PALB2):c.2498_2505del (p.Lys833fs)

Gene: PALB2 (partner and localizer of BRCA2; minus strand). Cytogenetic location: 16p12.2.
Variant type: Deletion.
Coding change: c.2498_2505del on transcript NM_024675.4 (MANE Select); coding-DNA positions 2498 to 2505, 8 bases deleted (AACATTCC; older notation c.2498_2505delAACATTCC).
Protein change: p.Lys833fs; shifts the reading frame from lysine 833.
Molecular consequence: frameshift variant. On other transcripts: intron variant (1).
Genome position (GRCh38, 1-based): chr16:23,629,649-23,629,656, GGAATGTT deleted on the plus strand (AACATTCC on the coding strand, the reverse complement: PALB2 is on the minus strand). VCF-style (leftmost placement, unchanged base first): chr16-23629648-CGGAATGTT-C. GRCh37 (hg19) VCF-style: chr16-23640969-CGGAATGTT-C.
Other names: c.2438_2445del, p.Lys813fs (NM_001407296.1); c.2498_2505del, p.Lys833fs (NM_001407297.1, NM_001407298.1, NM_001407299.1 and 3 more transcripts); c.1613_1620del, p.Lys538fs (NM_001407304.1, NM_001407305.1, NM_001407306.1 and 5 more transcripts); c.710_717del, p.Lys237fs (NM_001407312.1, NM_001407313.1); c.49-381_49-374del (NM_001407314.1); short protein forms K237fs, K538fs, K813fs, K833fs.
Identifiers: ClinVar variation 2674117 (VCV002674117.5), dbSNP rs1567217128, ClinGen allele CA621661716.
Genomic context (GRCh38, chr16:23,629,648, plus strand): 5'-CTAAGGCATTTCATTCCTTCAGAGAAAATTTCACAGAGGAAATGGATTGTACCTGTTCGA[CGGAATGTT>C]TATGCAGCTCCTGGCATGTGTTTCTACAGAGCTGATTTTCTTTAAAAGTGAATGACTCAA-3'

ClinVar aggregate classification (germline): Pathogenic. Review status: criteria provided, multiple submitters, no conflicts (2 of 4 stars). 3 submissions from 3 submitters: Pathogenic (3). Last evaluated 2025-05-21.

Conditions:
Hereditary cancer-predisposing syndrome. Also called: Tumor predisposition; Hereditary neoplastic syndrome; Neoplastic Syndromes, Hereditary; Hereditary Cancer Syndrome. Identifiers: Orphanet 140162, MedGen C0027672, MeSH D009386, MONDO:0015356.
Familial cancer of breast. Also called: Hereditary breast cancer; BREAST CANCER, FAMILIAL; hereditary breast carcinoma. Identifiers: Orphanet 227535, MedGen C0346153, MONDO:0016419, OMIM 114480. Disease mechanism: loss of function.

Allele frequency attached by ClinVar (database versions not stated): gnomAD exomes below 0.00001.

Submissions (3):

Ambry Genetics
Classification: Pathogenic for Hereditary cancer-predisposing syndrome. Last evaluated: 2025-05-21. Review status: criteria provided, single submitter. Criteria: Ambry Variant Classification Scheme 2023. Collection method: clinical testing. Allele origin: germline.
Comment: The c.2498_2505delAACATTCC pathogenic mutation, located in coding exon 5 of the PALB2 gene, results from a deletion of 8 nucleotides at nucleotide positions 2498 to 2505, causing a translational frameshift with a predicted alternate stop codon (p.K833Sfs*5). This alteration is expected to result in loss of function by premature protein truncation or nonsense-mediated mRNA decay. As such, this alteration is interpreted as a disease-causing mutation.

Myriad Genetics, Inc.
Classification: Pathogenic for Familial cancer of breast. Last evaluated: 2023-09-12. Review status: criteria provided, single submitter. Criteria: Myriad Autosomal Dominant, Autosomal Recessive and X-Linked Classification Criteria (2023). Collection method: clinical testing. Allele origin: unknown.
Comment: This variant is considered pathogenic. This variant creates a frameshift predicted to result in premature protein truncation.

Labcorp Genetics (formerly Invitae), Labcorp
Classification: Pathogenic for Familial cancer of breast. Last evaluated: 2022-11-25. Review status: criteria provided, single submitter. Criteria: Invitae Variant Classification Sherloc (09022015). Collection method: clinical testing. Allele origin: germline.
Comment: This sequence change creates a premature translational stop signal (p.Lys833Serfs*5) in the PALB2 gene. It is expected to result in an absent or disrupted protein product. Loss-of-function variants in PALB2 are known to be pathogenic (PMID: 17200668, 17200671, 17200672, 24136930, 25099575). For these reasons, this variant has been classified as Pathogenic. This variant has not been reported in the literature in individuals affected with PALB2-related conditions. This variant is present in population databases (no rsID available, gnomAD 0.003%).

Literature cited by the submitters: PubMed 17200668 (cited by Labcorp Genetics (formerly Invitae), Labcorp); PubMed 17200671 (cited by Labcorp Genetics (formerly Invitae), Labcorp); PubMed 17200672 (cited by Labcorp Genetics (formerly Invitae), Labcorp); PubMed 24136930 (cited by Labcorp Genetics (formerly Invitae), Labcorp); PubMed 25099575 (cited by Labcorp Genetics (formerly Invitae), Labcorp).